The following is an entry in ClinVar:

ClinVar aggregate classification (germline): Uncertain significance (1 of 4 stars; one submission).

Submission:

Labcorp Genetics (formerly Invitae), Labcorp
Classification: Uncertain significance. Last evaluated: 2022-04-22. Review status: criteria provided, single submitter. Criteria: Invitae Variant Classification Sherloc (09022015). Collection method: clinical testing. Allele origin: germline.
Comment: This variant, c.1855_1893del, results in the deletion of 13 amino acid(s) of the GEN1 protein (p.Ser619_Gln631del), but otherwise preserves the integrity of the reading frame. This variant is not present in population databases (gnomAD no frequency). This variant has not been reported in the literature in individuals affected with GEN1-related conditions. Experimental studies and prediction algorithms are not available or were not evaluated, and the functional significance of this variant is currently unknown. In summary, the available evidence is currently insufficient to determine the role of this variant in disease. Therefore, it has been classified as a Variant of Uncertain Significance.

NM_001130009.3(GEN1):c.1855_1893del (p.Ser619_Gln631del)

Gene: GEN1 (GEN1 structure-specific endonuclease; plus strand). Cytogenetic location: 2p24.2.
Variant type: Deletion.
Coding change: c.1855_1893del on transcript NM_001130009.3 (MANE Select); coding-DNA positions 1855 to 1893, 39 bases deleted.
Protein change: p.Ser619_Gln631del.
Molecular consequence: inframe deletion.
Genome position (GRCh38, 1-based): chr2:17,781,067-17,781,105, 39 bases deleted; deleting any 39 consecutive bases within chr2:17,781,066-17,781,105 gives the same sequence; the c. name uses the placement nearest the transcript's 3' end. GRCh37 (hg19): chr2:17,962,334-17,962,372.
Other names: c.1855_1893del, p.Ser619_Gln631del (NM_182625.5).
Identifiers: ClinVar variation 2421982 (VCV002421982.5), dbSNP rs1672806295, ClinGen allele CA2491976450.